The following is an entry in ClinVar:

ClinVar aggregate classification (germline): Uncertain significance (1 of 4 stars; one submission).

Submission:

GeneDx
Classification: Uncertain significance. Last evaluated: 2025-09-22. Review status: criteria provided, single submitter. Criteria: GeneDx Variant Classification Process June 2021. Collection method: clinical testing. Allele origin: germline. Affected: yes.
Comment: Not observed at significant frequency in large population cohorts (gnomAD); In silico analysis suggests that this missense variant does not alter protein structure/function; Has not been previously published as pathogenic or benign to our knowledge

NM_001083962.2(TCF4):c.1440G>C (p.Gln480His)

Gene: TCF4 (transcription factor 4; minus strand). Cytogenetic location: 18q21.2.
Variant type: single nucleotide variant.
Coding change: c.1440G>C on transcript NM_001083962.2 (MANE Select); coding-DNA position 1440, G replaced by C.
Protein change: p.Gln480His; replaces glutamine 480 with histidine.
Molecular consequence: missense variant.
Genome position (GRCh38, 1-based): chr18:55,234,594, C>G on the plus strand (G>C on the coding strand, the complement: TCF4 is on the minus strand). VCF-style: chr18-55234594-C-G. GRCh37 (hg19) VCF-style: chr18-52901825-C-G.
Other names: c.1746G>C, p.Gln582His (NM_001243226.3); c.1368G>C, p.Gln456His (NM_001243227.2, NM_001306207.1, NM_001348217.1 and 5 more transcripts); c.1458G>C, p.Gln486His (NM_001243228.2); c.1431G>C, p.Gln477His (NM_001243230.2); c.1314G>C, p.Gln438His (NM_001243231.2, NM_001348211.2); c.1227G>C, p.Gln409His (NM_001243232.1, NM_001306208.1); c.1050G>C, p.Gln350His (NM_001243233.2, NM_001330605.3, NM_001348212.2 and 1 more transcripts); c.960G>C, p.Gln320His (NM_001243234.2, NM_001243235.2, NM_001243236.2 and 1 more transcripts); and 6 more; short protein forms Q480H, Q350H, Q582H, Q264H, Q320H, Q438H, Q479H, Q486H.
Identifiers: ClinVar variation 546405 (VCV000546405.3), dbSNP rs1555722153, ClinGen allele CA402531698.
Genomic context (GRCh38, chr18:55,234,594, plus strand): 5'-TGAGGCCAACCTACCTCTGTAAGGGTCCTGGGGTGGGTTCAGGTCAGGGGAAGTCGCAGA[C>G]TGGACAGGAAGCTGTGGAACCGGAACCTGGTTTGGCAGAAGAGAATGGCTGCCTCTCAGG-3'
Protein context (NP_001077431.1, residues 470-490): NQVPVPQLPV[Gln480His]SATSPDLNPP